The following is an entry in ClinVar:

NM_198880.3(QRICH1):c.577C>T (p.Gln193Ter)

Gene: QRICH1 (glutamine rich 1; minus strand). Cytogenetic location: 3p21.31.
Variant type: single nucleotide variant.
Coding change: c.577C>T on transcript NM_198880.3 (MANE Select); coding-DNA position 577, C replaced by T.
Protein change: p.Gln193Ter; replaces glutamine 193 with a stop codon.
Molecular consequence: nonsense.
Genome position (GRCh38, 1-based): chr3:49,057,623, G>A on the plus strand (C>T on the coding strand, the complement: QRICH1 is on the minus strand). VCF-style: chr3-49057623-G-A. GRCh37 (hg19) VCF-style: chr3-49095056-G-A.
Other names: c.577C>T, p.Gln193Ter (NM_001320580.2, NM_001320581.2, NM_001320582.2 and 4 more transcripts); short protein forms Q193*.
Identifiers: ClinVar variation 4849588 (VCV004849588.1).

ClinVar aggregate classification (germline): Likely pathogenic (1 of 4 stars; one submission).

Conditions:
Ververi-Brady syndrome 1. Identifiers: Orphanet 580940, MedGen C6065891, MONDO:0060707, OMIM 617982.

Submission:

Service of Pediatric Gastrohepatology and Metabolic Diseases, University of Medicine of Tirana
Classification: Likely pathogenic for Ververi-Brady syndrome 1. Last evaluated: 2026-04-29. Review status: criteria provided, single submitter. Criteria: ACMG Guidelines, 2015. Collection method: clinical testing. Allele origin: germline. Inheritance: Autosomal dominant inheritance. Affected: yes. Observed: 1 variant allele.
Comment: QRICH1 c.577C>T was classified as Likely pathogenic using ACMG/AMP 2015 criteria (PMID:25741868). Evidence considered includes PM2 for rarity/absence in population databases when reviewed, PP3 for predicted deleterious effect, and PP4 for phenotype consistency with QRICH1-related Ververi-Brady syndrome (OMIM:617982).